The following is an entry in ClinVar:

NM_001042681.2(RERE):c.3323dup (p.Pro1109fs)

Gene: RERE (arginine-glutamic acid dipeptide repeats; minus strand). Cytogenetic location: 1p36.23.
Variant type: Duplication.
Coding change: c.3323dup on transcript NM_001042681.2 (MANE Select); coding-DNA position 3323, one base duplicated (C; older notation c.3323dupC).
Protein change: p.Pro1109fs; shifts the reading frame from proline 1109.
Molecular consequence: frameshift variant.
Genome position (GRCh38, 1-based): chr1:8,360,184, G duplicated on the plus strand (C on the coding strand, the reverse complement: RERE is on the minus strand); the first of 6 consecutive G bases (chr1:8,360,184-8,360,189); duplicating any one gives the same sequence. VCF-style (leftmost placement, unchanged base first): chr1-8360183-A-AG. GRCh37 (hg19) VCF-style: chr1-8420243-A-AG.
Other names: c.1661dup, p.Pro555fs (NM_001042682.2); c.3323dup, p.Pro1109fs (NM_012102.4); short protein forms P1109fs, P555fs.
Identifiers: ClinVar variation 5016780 (VCV005016780.1).

ClinVar aggregate classification (germline): Pathogenic (1 of 4 stars; one submission).

Submission:

GeneDx
Classification: Pathogenic. Last evaluated: 2026-04-03. Review status: criteria provided, single submitter. Criteria: GeneDx Variant Classification Process June 2021. Collection method: clinical testing. Allele origin: germline.
Comment: Frameshift variant predicted to result in protein truncation or nonsense mediated decay in a gene for which loss of function is a known mechanism of disease; Has not been previously published as pathogenic or benign to our knowledge; Not observed at significant frequency in large population cohorts (gnomAD)